The following is an entry in ClinVar:

ClinVar aggregate classification (germline): Uncertain significance (1 of 4 stars; one submission).

Conditions:
Inborn genetic diseases. Identifiers: MedGen C0950123, MeSH D030342.

gnomAD v4.1: 1 of 1,613,780 alleles (0.000062%); highest among the groups gnomAD compares: East Asian, 0.0022%; no homozygotes.

Submission:

Ambry Genetics
Classification: Uncertain significance for Inborn genetic diseases. Last evaluated: 2025-07-28. Review status: criteria provided, single submitter. Criteria: Ambry Variant Classification Scheme 2023. Collection method: clinical testing. Allele origin: germline.
Comment: The p.T968I variant (also known as c.2903C>T), located in coding exon 24 of the ANKRD26 gene, results from a C to T substitution at nucleotide position 2903. The threonine at codon 968 is replaced by isoleucine, an amino acid with similar properties. This amino acid position is conserved. In addition, this alteration is predicted to be tolerated by in silico analysis. Based on the available evidence, the clinical significance of this variant remains unclear.

NM_014915.3(ANKRD26):c.2903C>T (p.Thr968Ile)

Gene: ANKRD26 (ankyrin repeat domain containing 26; minus strand). Cytogenetic location: 10p12.1.
Variant type: single nucleotide variant.
Coding change: c.2903C>T on transcript NM_014915.3 (MANE Select); coding-DNA position 2903, C replaced by T.
Protein change: p.Thr968Ile; replaces threonine 968 with isoleucine.
Molecular consequence: missense variant.
Genome position (GRCh38, 1-based): chr10:27,035,547, G>A on the plus strand (C>T on the coding strand, the complement: ANKRD26 is on the minus strand). VCF-style: chr10-27035547-G-A. GRCh37 (hg19) VCF-style: chr10-27324476-G-A.
Other names: c.2900C>T, p.Thr967Ile (NM_001256053.2); short protein forms T967I, T968I.
Identifiers: ClinVar variation 4103797 (VCV004103797.1).